The following is an entry in ClinVar:

NM_006231.4(POLE):c.2427G>T (p.Lys809Asn)

Gene: POLE (DNA polymerase epsilon, catalytic subunit; minus strand). Cytogenetic location: 12q24.33.
Variant type: single nucleotide variant.
Coding change: c.2427G>T on transcript NM_006231.4 (MANE Select); coding-DNA position 2427, G replaced by T.
Protein change: p.Lys809Asn; replaces lysine 809 with asparagine.
Molecular consequence: missense variant.
Genome position (GRCh38, 1-based): chr12:132,665,343, C>A on the plus strand (G>T on the coding strand, the complement: POLE is on the minus strand). VCF-style: chr12-132665343-C-A. GRCh37 (hg19) VCF-style: chr12-133241929-C-A.
Other names: short protein forms K809N.
Identifiers: ClinVar variation 1791108 (VCV001791108.3), dbSNP rs754686646, ClinGen allele CA387397121.

ClinVar aggregate classification (germline): Uncertain significance (1 of 4 stars; one submission).

Conditions:
Hereditary cancer-predisposing syndrome. Also called: Hereditary Cancer Syndrome; Hereditary neoplastic syndrome; Tumor predisposition; Neoplastic Syndromes, Hereditary. Identifiers: Orphanet 140162, MedGen C0027672, MeSH D009386, MONDO:0015356.

Submission:

Ambry Genetics
Classification: Uncertain significance for Hereditary cancer-predisposing syndrome. Last evaluated: 2022-04-19. Review status: criteria provided, single submitter. Criteria: Ambry Variant Classification Scheme 2023. Collection method: clinical testing. Allele origin: germline.
Comment: The p.K809N variant (also known as c.2427G>T), located in coding exon 21 of the POLE gene, results from a G to T substitution at nucleotide position 2427. The lysine at codon 809 is replaced by asparagine, an amino acid with similar properties. This amino acid position is conserved. In addition, the in silico prediction for this alteration is inconclusive. Since supporting evidence is limited at this time, the clinical significance of this alteration remains unclear.